The following is an entry in ClinVar:

NM_006206.6(PDGFRA):c.1516C>T (p.Leu506Phe)

Gene: PDGFRA (platelet derived growth factor receptor alpha; plus strand). Cytogenetic location: 4q12.
Variant type: single nucleotide variant.
Coding change: c.1516C>T on transcript NM_006206.6 (MANE Select); coding-DNA position 1516, C replaced by T.
Protein change: p.Leu506Phe; replaces leucine 506 with phenylalanine.
Molecular consequence: missense variant.
Genome position (GRCh38, 1-based): chr4:54,273,688, C>T. VCF-style: chr4-54273688-C-T. GRCh37 (hg19) VCF-style: chr4-55139855-C-T.
Other names: c.1516C>T, p.Leu506Phe (NM_001347827.2, NM_001347829.2); c.1591C>T, p.Leu531Phe (NM_001347828.2); c.1555C>T, p.Leu519Phe (NM_001347830.2); short protein forms L506F, L531F, L519F.
Identifiers: ClinVar variation 572388 (VCV000572388.16), dbSNP rs142980928, ClinGen allele CA2922587.
Genomic context (GRCh38, chr4:54,273,688, plus strand): 5'-GGCCGTGTGACTTTCGCCAAAGTGGAGGAGACCATCGCCGTGCGATGCCTGGCTAAGAAT[C>T]TCCTTGGAGCTGAGAACCGAGAGCTGAAGCTGGTGGCTCCCAGTGAGTTCCTCAACAGTC-3'
Protein context (NP_006197.1, residues 496-516): TIAVRCLAKN[Leu506Phe]LGAENRELKL

ClinVar aggregate classification (germline): Conflicting classifications of pathogenicity. Review status: criteria provided, conflicting classifications (1 of 4 stars). 5 submissions from 5 submitters: Uncertain significance (3); Likely benign (2). Last evaluated 2026-06-15.

Conditions:
Polyps, multiple and recurrent inflammatory fibroid, gastrointestinal. Identifiers: MedGen C5193005, MONDO:0008285, OMIM 175510.
Hereditary cancer-predisposing syndrome. Also called: Hereditary neoplastic syndrome; Neoplastic Syndromes, Hereditary; Hereditary Cancer Syndrome; Tumor predisposition. Identifiers: Orphanet 140162, MedGen C0027672, MeSH D009386, MONDO:0015356.
Gastrointestinal stromal tumor. Also called: Gastrointestinal stromal tumor, somatic; Gastrointestinal stroma tumor. Identifiers: Orphanet 44890, MedGen C0238198, MeSH D046152, MONDO:0011719, OMIM 606764, HP:0100723.

Allele frequency attached by ClinVar (database versions not stated): gnomAD 0.00001; gnomAD exomes 0.00001 and 0.00002; TOPMed 0.00002; ExAC 0.00003; ESP Exome Variant Server 0.00008.
gnomAD v4.1: 15 of 1,613,898 alleles (0.00093%); highest among the groups gnomAD compares: South Asian, 0.0033%; no homozygotes.

Submissions (5):

Myriad Genetics, Inc.
Classification: Likely benign for Polyps, multiple and recurrent inflammatory fibroid, gastrointestinal. Last evaluated: 2026-06-15. Review status: criteria provided, single submitter. Criteria: Myriad Autosomal Dominant, Autosomal Recessive and X-Linked Classification Criteria (2023). Collection method: clinical testing. Allele origin: unknown.
Comment: This variant is considered likely benign. This variant has been observed at a population frequency that is significantly greater than expected given the associated disease prevalence and penetrance.

Labcorp Genetics (formerly Invitae), Labcorp
Classification: Uncertain significance for Gastrointestinal stromal tumor. Last evaluated: 2025-10-25. Review status: criteria provided, single submitter. Criteria: Invitae Variant Classification Sherloc (09022015). Collection method: clinical testing. Allele origin: germline.
Comment: This sequence change replaces leucine, which is neutral and non-polar, with phenylalanine, which is neutral and non-polar, at codon 506 of the PDGFRA protein (p.Leu506Phe). This variant is present in population databases (rs142980928, gnomAD 0.004%). This variant has not been reported in the literature in individuals affected with PDGFRA-related conditions. ClinVar contains an entry for this variant (Variation ID: 572388). Invitae Evidence Modeling of protein sequence and biophysical properties (such as structural, functional, and spatial information, amino acid conservation, physicochemical variation, residue mobility, and thermodynamic stability) indicates that this missense variant is not expected to disrupt PDGFRA protein function with a negative predictive value of 80%. In summary, the available evidence is currently insufficient to determine the role of this variant in disease. Therefore, it has been classified as a Variant of Uncertain Significance.

GeneDx
Classification: Uncertain significance. Last evaluated: 2024-12-10. Review status: criteria provided, single submitter. Criteria: GeneDx Variant Classification Process June 2021. Collection method: clinical testing. Allele origin: germline. Affected: yes.
Comment: Not observed at significant frequency in large population cohorts (gnomAD); In silico analysis indicates that this missense variant does not alter protein structure/function; Has not been previously published as pathogenic or benign to our knowledge

Ambry Genetics
Classification: Likely benign for Hereditary cancer-predisposing syndrome. Last evaluated: 2023-03-02. Review status: criteria provided, single submitter. Criteria: Ambry Variant Classification Scheme 2023. Collection method: clinical testing. Allele origin: germline.

Sema4
Classification: Uncertain significance for Hereditary cancer-predisposing syndrome. Last evaluated: 2021-04-19. Review status: criteria provided, single submitter. Criteria: Sema4 Curation Guidelines. Collection method: curation. Allele origin: germline.
Comment: The PDGFRA c.1516C>T (p.L506F) variant has not been reported in the literature to our knowledge. This variant was observed in 4/113030 chromosomes of the Non-Finnish European subpopulation in the large and broad populations by the Genome Aggregation Database (PMID: 32461654). The variant has been reported in ClinVar (Variation ID 572388). In silico tools suggest the impact of the variant on protein function is benign, though these predictions have not been confirmed by functional studies. The overall evidence is insufficient to meet ACMG/AMP criteria for classifying it as benign or pathogenic. In summary, the clinical significance of this variant is currently uncertain.